The following is an entry in ClinVar:

NM_000059.4(BRCA2):c.8552C>G (p.Ala2851Gly)

Gene: BRCA2 (BRCA2 DNA repair associated; plus strand). Cytogenetic location: 13q13.1.
Variant type: single nucleotide variant.
Coding change: c.8552C>G on transcript NM_000059.4 (MANE Select); coding-DNA position 8552, C replaced by G.
Protein change: p.Ala2851Gly; replaces alanine 2851 with glycine.
Molecular consequence: missense variant. On other transcripts: non-coding transcript variant (1).
Genome position (GRCh38, 1-based): chr13:32,371,020, C>G. VCF-style: chr13-32371020-C-G. GRCh37 (hg19) VCF-style: chr13-32945157-C-G.
Other names: c.8456C>G, p.Ala2819Gly (NM_001406719.1); c.8552C>G, p.Ala2851Gly (NM_001406720.1); c.3620C>G, p.Ala1207Gly (NM_001406721.1); c.2135C>G, p.Ala712Gly (NM_001406722.1); short protein forms A2851G, A712G, A1207G, A2819G.
Identifiers: ClinVar variation 2863843 (VCV002863843.4), dbSNP rs876660247, ClinGen allele CA387752783.

ClinVar aggregate classification (germline): Uncertain significance. Review status: criteria provided, multiple submitters, no conflicts (2 of 4 stars). 2 submissions from 2 submitters: Uncertain significance (2). Last evaluated 2023-12-01.

Conditions:
Hereditary breast ovarian cancer syndrome. Also called: Hereditary breast and/or ovarian cancer syndrome; Hereditary breast and ovarian cancer syndrome; Hereditary breast and ovarian cancer; Hereditary breast and ovarian cancer syndrome (HBOC); BRCA1- and BRCA2-Associated Hereditary Breast and Ovarian Cancer; Breast and ovarian cancer. Identifiers: Orphanet 145, MedGen C0677776, MeSH D061325, MONDO:0003582. Disease mechanism: loss of function.
Breast-ovarian cancer, familial, susceptibility to, 2 (BROVCA2). Also called: BRCA2 Hereditary Breast and Ovarian Cancer. Identifiers: Orphanet 145, MedGen C2675520, MONDO:0012933, OMIM 612555. Disease mechanism: loss of function.

Submissions (2):

All of Us Research Program, National Institutes of Health
Classification: Uncertain significance for Breast-ovarian cancer, familial, susceptibility to, 2. Last evaluated: 2023-12-01. Review status: criteria provided, single submitter. Criteria: ACMG Guidelines, 2015. Collection method: clinical testing. Allele origin: germline. Inheritance: Autosomal dominant inheritance. Observed: 1 variant allele, 1 heterozygote.
Comment: This study involves interpretation of variants in research participants for the purpose of population health screening. Participant phenotype was not available at the time of variant classification. Additional details can be found in publication PMID: 35346344, PMCID: PMC8962531

Labcorp Genetics (formerly Invitae), Labcorp
Classification: Uncertain significance for Hereditary breast ovarian cancer syndrome. Last evaluated: 2023-05-13. Review status: criteria provided, single submitter. Criteria: Invitae Variant Classification Sherloc (09022015). Collection method: clinical testing. Allele origin: germline.
Comment: This sequence change replaces alanine, which is neutral and non-polar, with glycine, which is neutral and non-polar, at codon 2851 of the BRCA2 protein (p.Ala2851Gly). This variant is not present in population databases (gnomAD no frequency). This variant has not been reported in the literature in individuals affected with BRCA2-related conditions. Advanced modeling of protein sequence and biophysical properties (such as structural, functional, and spatial information, amino acid conservation, physicochemical variation, residue mobility, and thermodynamic stability) performed at Invitae indicates that this missense variant is not expected to disrupt BRCA2 protein function. In summary, the available evidence is currently insufficient to determine the role of this variant in disease. Therefore, it has been classified as a Variant of Uncertain Significance.